The following is an entry in ClinVar:

NM_002474.3(MYH11):c.1483G>C (p.Glu495Gln)

Gene: MYH11 (myosin heavy chain 11; minus strand). Cytogenetic location: 16p13.11.
Variant type: single nucleotide variant.
Coding change: c.1483G>C on transcript NM_002474.3 (MANE Select); coding-DNA position 1483, G replaced by C.
Protein change: p.Glu495Gln; replaces glutamic acid 495 with glutamine.
Molecular consequence: missense variant.
Genome position (GRCh38, 1-based): chr16:15,757,919, C>G on the plus strand (G>C on the coding strand, the complement: MYH11 is on the minus strand). VCF-style: chr16-15757919-C-G. GRCh37 (hg19) VCF-style: chr16-15851776-C-G.
Other names: c.1504G>C, p.Glu502Gln (NM_001040113.2, NM_001040114.2); c.1483G>C, p.Glu495Gln (NM_022844.3); short protein forms E495Q, E502Q.
Identifiers: ClinVar variation 4812138 (VCV004812138.1).

ClinVar aggregate classification (germline): Uncertain significance (1 of 4 stars; one submission).

Conditions:
Aortic aneurysm, familial thoracic 4 (AAT4). Also called: AORTIC ANEURYSM/AORTIC DISSECTION AND PATENT DUCTUS ARTERIOSUS. Identifiers: MedGen C1851504, MONDO:0007568, OMIM 132900.

Submission:

Labcorp Genetics (formerly Invitae), Labcorp
Classification: Uncertain significance for Aortic aneurysm, familial thoracic 4. Last evaluated: 2025-02-19. Review status: criteria provided, single submitter. Criteria: Invitae Variant Classification Sherloc (09022015). Collection method: clinical testing. Allele origin: germline.
Comment: This sequence change replaces glutamic acid, which is acidic and polar, with glutamine, which is neutral and polar, at codon 502 of the MYH11 protein (p.Glu502Gln). This variant is not present in population databases (gnomAD no frequency). This variant has not been reported in the literature in individuals affected with MYH11-related conditions. Invitae Evidence Modeling of protein sequence and biophysical properties (such as structural, functional, and spatial information, amino acid conservation, physicochemical variation, residue mobility, and thermodynamic stability) has been performed for this missense variant. However, the output from this modeling did not meet the statistical confidence thresholds required to predict the impact of this variant on MYH11 protein function. In summary, the available evidence is currently insufficient to determine the role of this variant in disease. Therefore, it has been classified as a Variant of Uncertain Significance.